The following is an entry in ClinVar:

ClinVar aggregate classification (germline): Pathogenic (1 of 4 stars; one submission).

Conditions:
Isolated microphthalmia 5. Also called: Posterior Microphthalmia with Retinitis Pigmentosa, Foveoschisis, and Optic Disc Drusen. Identifiers: Orphanet 251279, MedGen C1970236, MONDO:0012605, OMIM 611040.

Submission:

Labcorp Genetics (formerly Invitae), Labcorp
Classification: Pathogenic for Isolated microphthalmia 5. Last evaluated: 2025-01-16. Review status: criteria provided, single submitter. Criteria: Invitae Variant Classification Sherloc (09022015). Collection method: clinical testing. Allele origin: germline.
Comment: This sequence change creates a premature translational stop signal (p.Ala252Glyfs*12) in the MFRP gene. It is expected to result in an absent or disrupted protein product. Loss-of-function variants in MFRP are known to be pathogenic (PMID: 12140190, 15976030, 20361016). This variant is present in population databases (no rsID available, gnomAD 0.007%). This variant has not been reported in the literature in individuals affected with MFRP-related conditions. For these reasons, this variant has been classified as Pathogenic.

Literature cited by the submitters: PubMed 12140190; PubMed 15976030; PubMed 20361016.

NM_031433.4(MFRP):c.754dup (p.Ala252fs)

Genes: C1QTNF5 (C1q and TNF related 5; minus strand), MFRP (membrane frizzled-related protein; minus strand). Cytogenetic location: 11q23.3.
Variant type: Duplication.
Coding change: c.754dup on transcript NM_031433.4 (MANE Select); coding-DNA position 754, one base duplicated (G; older notation c.754dupG).
Protein change: p.Ala252fs; shifts the reading frame from alanine 252.
Molecular consequence: frameshift variant. On other transcripts: 5 prime UTR variant (1).
Genome position (GRCh38, 1-based): chr11:119,344,892, C duplicated on the plus strand (G on the coding strand, the reverse complement: MFRP is on the minus strand); the first of 2 consecutive C bases (chr11:119,344,892-119,344,893); duplicating either gives the same sequence. VCF-style (leftmost placement, unchanged base first): chr11-119344891-G-GC. GRCh37 (hg19) VCF-style: chr11-119215601-G-GC.
Other names: c.-1883dup (NM_015645.5); short protein forms A252fs.
Identifiers: ClinVar variation 3698874 (VCV003698874.2).